The following is an entry in ClinVar:

NM_001128228.3(TPRN):c.559G>T (p.Ala187Ser)

Gene: TPRN (taperin; minus strand). Cytogenetic location: 9q34.3.
Variant type: single nucleotide variant.
Coding change: c.559G>T on transcript NM_001128228.3 (MANE Select); coding-DNA position 559, G replaced by T.
Protein change: p.Ala187Ser; replaces alanine 187 with serine.
Molecular consequence: missense variant.
Genome position (GRCh38, 1-based): chr9:137,200,153, C>A on the plus strand (G>T on the coding strand, the complement: TPRN is on the minus strand). VCF-style: chr9-137200153-C-A. GRCh37 (hg19) VCF-style: chr9-140094605-C-A.
Other names: p.Ala187Ser; short protein forms A187S.
Identifiers: ClinVar variation 193181 (VCV000193181.33), dbSNP rs9411313, ClinGen allele CA200386.
Genomic context (GRCh38, chr9:137,200,153, plus strand): 5'-CGGTGAAGGAGTTGCTGCCGGTCTTCTGGAGGAAGTCGCTGCGCCGGGCCCCGGGGCTCG[C>A]CCCGCCACCGCGGGGCCCGGGCGCGGCGGGCGGGCTGGGGGCCGCGGGCGGGGGCCGGGG-3'
Protein context (NP_001121700.2, residues 177-197): PAAPGPRGGG[Ala187Ser]SPGARRSDFL

ClinVar aggregate classification (germline): Benign. Review status: criteria provided, multiple submitters, no conflicts (2 of 4 stars). 8 submissions from 8 submitters: Benign (8). Last evaluated 2026-02-04.

Conditions:
Autosomal recessive nonsyndromic hearing loss 79. Identifiers: Orphanet 90636, MedGen C2750082, MONDO:0013215, OMIM 613307.

Allele frequency attached by ClinVar (database versions not stated): 1000 Genomes Project 0.24381; 1000 Genomes Project 30x 0.24735; TOPMed 0.26594; gnomAD 0.27092; gnomAD exomes 0.28144.

Submissions (8):

Labcorp Genetics (formerly Invitae), Labcorp
Classification: Benign. Last evaluated: 2026-02-04. Review status: criteria provided, single submitter. Criteria: Invitae Variant Classification Sherloc (09022015). Collection method: clinical testing. Allele origin: germline.

Blueprint Genetics
Classification: Benign. Last evaluated: 2024-11-27. Review status: criteria provided, single submitter. Criteria: ACMG Guidelines, 2015. Collection method: clinical testing. Allele origin: germline.

ARUP Laboratories, Molecular Genetics and Genomics, ARUP Laboratories
Classification: Benign for Autosomal recessive nonsyndromic hearing loss 79. Last evaluated: 2023-11-29. Review status: criteria provided, single submitter. Criteria: ARUP Molecular Germline Variant Investigation Process 2024. Collection method: clinical testing. Allele origin: germline.

Mayo Clinic Laboratories, Mayo Clinic
Classification: Benign. Last evaluated: 2020-07-02. Review status: criteria provided, single submitter. Criteria: ACMG Guidelines, 2015. Collection method: clinical testing. Allele origin: germline. Observed: 91 variant alleles.

Mendelics
Classification: Benign for Autosomal recessive nonsyndromic hearing loss 79. Last evaluated: 2019-05-28. Review status: criteria provided, single submitter. Criteria: Mendelics Assertion Criteria 2017. Collection method: clinical testing. Allele origin: unknown.

GeneDx
Classification: Benign. Last evaluated: 2017-06-09. Review status: criteria provided, single submitter. Criteria: GeneDx Variant Classification (06012015). Collection method: clinical testing. Allele origin: germline. Affected: yes.
Comment: This variant is considered likely benign or benign based on one or more of the following criteria: it is a conservative change, it occurs at a poorly conserved position in the protein, it is predicted to be benign by multiple in silico algorithms, and/or has population frequency not consistent with disease.

Eurofins Ntd Llc (ga)
Classification: Benign. Last evaluated: 2015-05-18. Review status: criteria provided, single submitter. Criteria: EGL Classification Definitions 2015. Collection method: clinical testing. Allele origin: germline. Observed: 2 variant alleles, 2 heterozygotes.

Breakthrough Genomics
Classification: Benign. Review status: criteria provided, single submitter. Criteria: ACMG Guidelines, 2015. Collection method: not provided. Allele origin: germline. Inheritance: Autosomal recessive inheritance. Affected: yes.